The following is an entry in ClinVar:

NM_173660.5(DOK7):c.94G>A (p.Val32Met)

Gene: DOK7 (docking protein 7; plus strand). Cytogenetic location: 4p16.3.
Variant type: single nucleotide variant.
Coding change: c.94G>A on transcript NM_173660.5 (MANE Select); coding-DNA position 94, G replaced by A.
Protein change: p.Val32Met; replaces valine 32 with methionine.
Molecular consequence: missense variant.
Genome position (GRCh38, 1-based): chr4:3,463,545, G>A. VCF-style: chr4-3463545-G-A. GRCh37 (hg19) VCF-style: chr4-3465272-G-A.
Other names: c.94G>A, p.Val32Met (NM_001164673.2, NM_001301071.2, NM_001363811.2); short protein forms V32M.
Identifiers: ClinVar variation 948720 (VCV000948720.8), dbSNP rs1417673287, ClinGen allele CA356112158.

ClinVar aggregate classification (germline): Conflicting classifications of pathogenicity. Review status: criteria provided, conflicting classifications (1 of 4 stars). 2 submissions from 2 submitters: Likely pathogenic (1); Uncertain significance (1). Last evaluated 2025-05-12.

Conditions:
Fetal akinesia deformation sequence 1 (FADS1). Also called: Fetal akinesia sequence; Pena-Shokeir syndrome type I. Identifiers: Orphanet 994, MedGen C1276035, MONDO:0100101, OMIM 208150, HP:0001989.
Congenital myasthenic syndrome 10. Also called: Myasthenia, limb-girdle, familial. Identifiers: Orphanet 590, MedGen C1850792, MONDO:0009690, OMIM 254300.

Allele frequency attached by ClinVar (database versions not stated): TOPMed below 0.00001; gnomAD exomes 0.00001 and 0.00003.

Submissions (2):

Labcorp Genetics (formerly Invitae), Labcorp
Classification: Likely pathogenic for Congenital myasthenic syndrome 10; Fetal akinesia deformation sequence 1. Last evaluated: 2025-05-12. Review status: criteria provided, single submitter. Criteria: Invitae Variant Classification Sherloc (09022015). Collection method: clinical testing. Allele origin: germline.
Comment: This sequence change replaces valine, which is neutral and non-polar, with methionine, which is neutral and non-polar, at codon 32 of the DOK7 protein (p.Val32Met). This variant is present in population databases (no rsID available, gnomAD 0.01%). This missense change has been observed in individual(s) with clinical features of DOK7-related conditions (internal data). In at least one individual the data is consistent with being in trans (on the opposite chromosome) from a pathogenic variant. ClinVar contains an entry for this variant (Variation ID: 948720). Invitae Evidence Modeling of protein sequence and biophysical properties (such as structural, functional, and spatial information, amino acid conservation, physicochemical variation, residue mobility, and thermodynamic stability) indicates that this missense variant is expected to disrupt DOK7 protein function with a positive predictive value of 80%. In summary, the currently available evidence indicates that the variant is pathogenic, but additional data are needed to prove that conclusively. Therefore, this variant has been classified as Likely Pathogenic.

Revvity Omics, Revvity
Classification: Uncertain significance. Last evaluated: 2023-12-05. Review status: criteria provided, single submitter. Criteria: ACMG Guidelines, 2015. Collection method: clinical testing. Allele origin: germline.